The following is an entry in ClinVar:

ClinVar aggregate classification (germline): Uncertain significance (1 of 4 stars; one submission).

Conditions:
Mendelian susceptibility to mycobacterial diseases due to complete IL12B deficiency. Also called: Immunodeficiency 29; IL12B DEFICIENCY. Identifiers: Orphanet 319558, MedGen C4013948, MONDO:0013954, OMIM 614890.

Allele frequency attached by ClinVar (database versions not stated): gnomAD exomes 0.00001 and 0.00002; TOPMed 0.00001; gnomAD 0.00002; ExAC 0.00003.
gnomAD v4.1: 21 of 1,612,462 alleles (0.0013%); highest among the groups gnomAD compares: South Asian, 0.0033%; no homozygotes.

Submission:

Labcorp Genetics (formerly Invitae), Labcorp
Classification: Uncertain significance for Mendelian susceptibility to mycobacterial diseases due to complete IL12B deficiency. Last evaluated: 2022-08-08. Review status: criteria provided, single submitter. Criteria: Invitae Variant Classification Sherloc (09022015). Collection method: clinical testing. Allele origin: germline.
Comment: This sequence change replaces valine, which is neutral and non-polar, with methionine, which is neutral and non-polar, at codon 21 of the IL12B protein (p.Val21Met). This variant is present in population databases (rs750901737, gnomAD 0.003%). This variant has not been reported in the literature in individuals affected with IL12B-related conditions. ClinVar contains an entry for this variant (Variation ID: 999619). Algorithms developed to predict the effect of missense changes on protein structure and function output the following: SIFT: "Tolerated"; PolyPhen-2: "Benign"; Align-GVGD: "Class C0". The methionine amino acid residue is found in multiple mammalian species, which suggests that this missense change does not adversely affect protein function. In summary, the available evidence is currently insufficient to determine the role of this variant in disease. Therefore, it has been classified as a Variant of Uncertain Significance.

NM_002187.3(IL12B):c.61G>A (p.Val21Met)

Gene: IL12B (interleukin 12B; minus strand). Cytogenetic location: 5q33.3.
Variant type: single nucleotide variant.
Coding change: c.61G>A on transcript NM_002187.3 (MANE Select); coding-DNA position 61, G replaced by A.
Protein change: p.Val21Met; replaces valine 21 with methionine.
Molecular consequence: missense variant.
Genome position (GRCh38, 1-based): chr5:159,326,722, C>T on the plus strand (G>A on the coding strand, the complement: IL12B is on the minus strand). VCF-style: chr5-159326722-C-T. GRCh37 (hg19) VCF-style: chr5-158753730-C-T.
Other names: short protein forms V21M.
Identifiers: ClinVar variation 999619 (VCV000999619.6), dbSNP rs750901737, ClinGen allele CA3538898.